The following is an entry in ClinVar:

NM_000492.4(CFTR):c.531dup (p.Gly178fs)

Gene: CFTR (CF transmembrane conductance regulator; plus strand). Cytogenetic location: 7q31.2.
Variant type: Duplication.
Coding change: c.531dup on transcript NM_000492.4 (MANE Select); coding-DNA position 531, one base duplicated (T; older notation c.531dupT).
Protein change: p.Gly178fs; shifts the reading frame from glycine 178.
Molecular consequence: frameshift variant.
Genome position (GRCh38, 1-based): chr7:117,534,317, T duplicated; the last of 2 consecutive T bases (chr7:117,534,316-117,534,317); duplicating either gives the same sequence. VCF-style (leftmost placement, unchanged base first): chr7-117534315-A-AT. GRCh37 (hg19) VCF-style: chr7-117174369-A-AT.
Other names: c.531dupT (NM_000492.3); short protein forms G178fs.
Identifiers: ClinVar variation 495952 (VCV000495952.3), dbSNP rs121908771, ClinGen allele CA658683489.

ClinVar aggregate classification (germline): Pathogenic/Likely pathogenic. Review status: criteria provided, multiple submitters, no conflicts (2 of 4 stars). 3 submissions from 3 submitters: Pathogenic (1); Likely pathogenic (1). 1 of the submissions does not count toward it. Last evaluated 2018-01-29.

Conditions:
CFTR-related disorder (CFTR-RD). Also called: CFTR-related condition; CFTR-related disorders. Identifiers: MedGen C5924204, MONDO:7770004.
Cystic fibrosis (CF). Also called: MUCOVISCIDOSIS. Identifiers: Orphanet 586, MedGen C0010674, MONDO:0009061, OMIM 219700. Disease mechanism: loss of function.

Submissions (3):

CFTR-France
Classification: Pathogenic for cystic fibrosis. Last evaluated: 2018-01-29. Review status: criteria provided, single submitter. Criteria: Claustres M et al. (Hum Mutat 2017). Collection method: curation. Allele origin: germline. Affected: yes.

Women's Health and Genetics/Laboratory Corporation of America, LabCorp
Classification: Likely pathogenic for Cystic fibrosis. Last evaluated: 2017-07-03. Review status: criteria provided, single submitter. Criteria: LabCorp Variant Classification Summary - May 2015. Collection method: clinical testing. Allele origin: germline.
Comment: Variant summary: The CFTR c.531dupT (p.Gly178Trpfs) variant results in a premature termination codon, predicted to cause a truncated or absent CFTR protein due to nonsense mediated decay, which are commonly known mechanisms for disease. Truncations downstream of this position have been classified as pathogenic by our laboratory (e.g. p.Leu671X, p.Arg709X, p.Glu831X etc.). This variant is absent in 119504 control chromosomes from ExAC. This variant has been reported in one neonate with CF in the compound heterozygous state with p.Phe508del (Simakova_2016; early publication; link). Taken together, this variant is classified as likely pathogenic.

Natera, Inc.
Classification: Likely pathogenic for CFTR-related disorders. Last evaluated: 2021-06-02. Review status: no assertion criteria provided. Collection method: clinical testing. Allele origin: germline. Not counted in ClinVar's aggregate classification.